The following is an entry in ClinVar:

NM_002474.3(MYH11):c.1116del (p.Met372fs)

Gene: MYH11 (myosin heavy chain 11; minus strand). Cytogenetic location: 16p13.11.
Variant type: Deletion.
Coding change: c.1116del on transcript NM_002474.3 (MANE Select); coding-DNA position 1116, one base deleted (G; older notation c.1116delG).
Protein change: p.Met372fs; shifts the reading frame from methionine 372.
Molecular consequence: frameshift variant.
Genome position (GRCh38, 1-based): chr16:15,763,809, C deleted on the plus strand (G on the coding strand, the reverse complement: MYH11 is on the minus strand). VCF-style (leftmost placement, unchanged base first): chr16-15763808-GC-G. GRCh37 (hg19) VCF-style: chr16-15857665-GC-G.
Other names: c.1137del, p.Met379fs (NM_001040113.2, NM_001040114.2); c.1116del, p.Met372fs (NM_022844.3); short protein forms M372fs, M379fs.
Identifiers: ClinVar variation 2837733 (VCV002837733.3), dbSNP rs2506444711, ClinGen allele CA2739266623.

ClinVar aggregate classification (germline): Pathogenic (1 of 4 stars; one submission).

Conditions:
Aortic aneurysm, familial thoracic 4 (AAT4). Also called: AORTIC ANEURYSM/AORTIC DISSECTION AND PATENT DUCTUS ARTERIOSUS. Identifiers: MedGen C1851504, MONDO:0007568, OMIM 132900.

Submission:

Labcorp Genetics (formerly Invitae), Labcorp
Classification: Pathogenic for Aortic aneurysm, familial thoracic 4. Last evaluated: 2023-02-16. Review status: criteria provided, single submitter. Criteria: Invitae Variant Classification Sherloc (09022015). Collection method: clinical testing. Allele origin: germline.
Comment: For these reasons, this variant has been classified as Pathogenic. This variant has not been reported in the literature in individuals affected with MYH11-related conditions. This variant is not present in population databases (gnomAD no frequency). This sequence change creates a premature translational stop signal (p.Met379Ilefs*18) in the MYH11 gene. It is expected to result in an absent or disrupted protein product. Loss-of-function variants in MYH11 are known to be pathogenic (PMID: 25407000, 29575632).

Literature cited by the submitters: PubMed 25407000; PubMed 29575632.